The following is an entry in ClinVar:

ClinVar aggregate classification (germline): Benign. Review status: criteria provided, multiple submitters, no conflicts (2 of 4 stars). 21 submissions from 19 submitters: Benign (17). 4 of the submissions do not count toward it. Last evaluated 2026-02-04.

Conditions:
Basal cell nevus syndrome 1 (BCNS1). Also called: GORLIN-GOLTZ SYNDROME; MULTIPLE BASAL CELL NEVI, ODONTOGENIC KERATOCYSTS, AND SKELETAL ANOMALIES. Identifiers: MedGen CN376810, MONDO:0958174, OMIM 109400.
Hereditary cancer-predisposing syndrome. Also called: Neoplastic Syndromes, Hereditary; Tumor predisposition; Hereditary Cancer Syndrome; Hereditary neoplastic syndrome. Identifiers: Orphanet 140162, MedGen C0027672, MeSH D009386, MONDO:0015356.
Holoprosencephaly 7 (HPE7). Identifiers: Orphanet 2162, MedGen C1835820, MONDO:0012562, OMIM 610828.
Gorlin syndrome. Also called: Basal cell nevus syndrome; Nevoid Basal Cell Carcinoma Syndrome. Identifiers: Orphanet 377, MedGen C0004779, MONDO:0007187.

Allele frequency attached by ClinVar (database versions not stated): ESP Exome Variant Server 0.29925; 1000 Genomes Project 30x 0.38944; 1000 Genomes Project 0.39677; TOPMed 0.32566.
gnomAD v4.1: 569,723 of 1,612,980 alleles (35%); highest among the groups gnomAD compares: East Asian, 58%; 103,984 homozygotes.

Submissions (21):

Labcorp Genetics (formerly Invitae), Labcorp
Classification: Benign for Gorlin syndrome. Last evaluated: 2026-02-04. Review status: criteria provided, single submitter. Criteria: Invitae Variant Classification Sherloc (09022015). Collection method: clinical testing. Allele origin: germline.

ARUP Laboratories, Molecular Genetics and Genomics, ARUP Laboratories
Classification: Benign. Last evaluated: 2025-07-30. Review status: criteria provided, single submitter. Criteria: ARUP Molecular Germline Variant Investigation Process 2024. Collection method: clinical testing. Allele origin: germline.

Genomic Medicine Center of Excellence, King Faisal Specialist Hospital and Research Centre
Classification: Benign for Basal cell nevus syndrome 1. Last evaluated: 2024-12-19. Review status: criteria provided, single submitter. Criteria: ACMG Guidelines, 2015. Collection method: clinical testing. Allele origin: germline.

Blueprint Genetics
Classification: Benign. Last evaluated: 2024-11-27. Review status: criteria provided, single submitter. Criteria: ACMG Guidelines, 2015. Collection method: clinical testing. Allele origin: germline.

KCCC/NGS Laboratory, Kuwait Cancer Control Center
Classification: Benign for Basal cell nevus syndrome 1. Last evaluated: 2023-07-07. Review status: criteria provided, single submitter. Criteria: ACMG Guidelines, 2015. Collection method: clinical testing. Allele origin: germline. Affected: yes.

Mayo Clinic Laboratories, Mayo Clinic
Classification: Benign. Last evaluated: 2021-12-29. Review status: criteria provided, single submitter. Criteria: ACMG Guidelines, 2015. Collection method: clinical testing. Allele origin: germline. Observed: 163 variant alleles.
Comment: BA1

Genome-Nilou Lab
Classification: Benign for Basal cell nevus syndrome 1. Last evaluated: 2021-10-25. Review status: criteria provided, single submitter. Criteria: ACMG Guidelines, 2015. Collection method: clinical testing. Allele origin: germline. Affected: no.

Genome-Nilou Lab
Classification: Benign for Holoprosencephaly 7. Last evaluated: 2021-10-25. Review status: criteria provided, single submitter. Criteria: ACMG Guidelines, 2015. Collection method: clinical testing. Allele origin: germline. Affected: no.

Illumina Laboratory Services, Illumina
Classification: Benign for Holoprosencephaly 7. Last evaluated: 2018-03-06. Review status: criteria provided, single submitter. Criteria: ICSL Variant Classification Criteria 13 December 2019. Collection method: clinical testing. Allele origin: germline.
Comment: This variant was observed in the ICSL laboratory as part of a predisposition screen in an ostensibly healthy population. It had not been previously curated by ICSL or reported in the Human Gene Mutation Database (HGMD: prior to June 1st, 2018), and was therefore a candidate for classification through an automated scoring system. Utilizing variant allele frequency, disease prevalence and penetrance estimates, and inheritance mode, an automated score was calculated to assess if this variant is too frequent to cause the disease. Based on the score and internal cut-off values, a variant classified as benign is not then subjected to further curation. The score for this variant resulted in a classification of benign for this disease.

Illumina Laboratory Services, Illumina
Classification: Benign for Basal cell nevus syndrome 1. Last evaluated: 2018-03-06. Review status: criteria provided, single submitter. Criteria: ICSL Variant Classification Criteria 13 December 2019. Collection method: clinical testing. Allele origin: germline.
Comment: the same text as in the submission from Illumina Laboratory Services, Illumina above.

Women's Health and Genetics/Laboratory Corporation of America, LabCorp
Classification: Benign. Last evaluated: 2016-05-24. Review status: criteria provided, single submitter. Criteria: LabCorp Variant Classification Summary - May 2015. Collection method: clinical testing. Allele origin: germline.
Comment: Variant summary: The PTCH1 c.3944C>T (p.Pro1315Leu) variant involves the alteration of a conserved nucleotide. 2/3 in silico tools predict a damaging outcome for this variant (SNPs&GO and MutationTaster not captured due to low reliability index). This variant was found in 44727/116034 control chromosomes (9126 homozygotes) at a frequency of 0.3854646, which significantly exceeds the estimated maximal expected allele frequency of a pathogenic PTCH1 variant (0.0000171), suggesting this variant is likely a benign polymorphism. In addition, multiple clinical diagnostic laboratories/reputable databases classified this variant as benign. Taken together, this variant is classified as benign.

Laboratory for Molecular Medicine, Mass General Brigham Personalized Medicine
Classification: Benign. Last evaluated: 2016-03-28. Review status: criteria provided, single submitter. Criteria: LMM Criteria. Collection method: clinical testing. Allele origin: germline.
Comment: Variant identified in a genome or exome case(s) and assessed due to predicted null impact of the variant or pathogenic assertions in the literature or databases. Disclaimer: This variant has not undergone full assessment. The following are preliminary notes: Frequency

Eurofins Ntd Llc (ga)
Classification: Benign. Last evaluated: 2016-02-29. Review status: criteria provided, single submitter. Criteria: EGL Classification Definitions 2015. Collection method: clinical testing. Allele origin: germline. Observed: 18 variant alleles, 13 heterozygotes, 5 homozygotes.

GeneDx
Classification: Benign. Last evaluated: 2015-03-03. Review status: criteria provided, single submitter. Criteria: GeneDx Variant Classification Process June 2021. Collection method: clinical testing. Allele origin: germline. Affected: yes.
Comment: This variant is associated with the following publications: (PMID: 29081410, 24728327, 27153395, 15888139, 22703879)

Ambry Genetics
Classification: Benign for Hereditary cancer-predisposing syndrome. Last evaluated: 2014-12-01. Review status: criteria provided, single submitter. Criteria: Ambry Variant Classification Scheme 2023. Collection method: clinical testing. Allele origin: germline.

Breakthrough Genomics
Classification: Benign. Review status: criteria provided, single submitter. Criteria: ACMG Guidelines, 2015. Collection method: not provided. Allele origin: germline. Inheritance: Autosomal dominant inheritance. Affected: yes.

PreventionGenetics, part of Exact Sciences
Classification: Benign. Review status: criteria provided, single submitter. Criteria: ACMG Guidelines, 2015. Collection method: clinical testing. Allele origin: germline.

ITMI
No classification provided. Condition: AllHighlyPenetrant. Last evaluated: 2013-09-19. Review status: no classification provided. Collection method: reference population. Allele origin: germline. Not counted in ClinVar's aggregate classification.
Comment: Please see associated publication for description of ethnicities

Biesecker Lab/Clinical Genomics Section, National Institutes of Health
Classification: Benign. Last evaluated: 2012-07-13. Review status: no assertion criteria provided. Collection method: research. Allele origin: germline. Affected: no. Observed: 146 variant alleles. Study: ClinSeq. Not counted in ClinVar's aggregate classification.
ClinVar note: Converted during submission from no known pathogenicity to Benign.

Diagnostic Laboratory, Department of Genetics, University Medical Center Groningen
Classification: Benign. Review status: no assertion criteria provided. Collection method: clinical testing. Allele origin: germline. Affected: yes. Study: VKGL Data-share Consensus. Not counted in ClinVar's aggregate classification.

Joint Genome Diagnostic Labs from Nijmegen and Maastricht, Radboudumc and MUMC+
Classification: Benign. Review status: no assertion criteria provided. Collection method: clinical testing. Allele origin: germline. Affected: yes. Study: VKGL Data-share Consensus. Not counted in ClinVar's aggregate classification.

Literature cited by the submitters: PubMed 24728327 (cited by ITMI).

NM_000264.5(PTCH1):c.3944C>T (p.Pro1315Leu)

Gene: PTCH1 (patched 1; minus strand). Cytogenetic location: 9q22.32.
Variant type: single nucleotide variant.
Coding change: c.3944C>T on transcript NM_000264.5 (MANE Select); coding-DNA position 3944, C replaced by T.
Protein change: p.Pro1315Leu; replaces proline 1315 with leucine.
Molecular consequence: missense variant. On other transcripts: non-coding transcript variant (1).
Genome position (GRCh38, 1-based): chr9:95,447,312, G>A on the plus strand (C>T on the coding strand, the complement: PTCH1 is on the minus strand). VCF-style: chr9-95447312-G-A. GRCh37 (hg19) VCF-style: chr9-98209594-G-A.
Other names: c.3746C>T, p.Pro1249Leu (NM_001083602.3); c.3941C>T, p.Pro1314Leu (NM_001083603.3); c.3491C>T, p.Pro1164Leu (NM_001083604.3, NM_001083605.3, NM_001083606.3 and 1 more transcripts); c.3788C>T, p.Pro1263Leu (NM_001354918.2); short protein forms P1249L, P1315L, P1314L, P1164L, P1263L.
Identifiers: ClinVar variation 41663 (VCV000041663.51), dbSNP rs357564, ClinGen allele CA145939.